The following is an entry in ClinVar:

ClinVar aggregate classification (germline): Uncertain significance (1 of 4 stars; one submission).

Conditions:
Methylcobalamin deficiency type cblG (HMAG). Also called: HOMOCYSTINURIA-MEGALOBLASTIC ANEMIA, cblG COMPLEMENTATION TYPE; Functional methionine synthase deficiency type cblG; HOMOCYSTINURIA-MEGALOBLASTIC ANEMIA DUE TO DEFECT IN COBALAMIN METABOLISM, cblG COMPLEMENTATION TYPE; HOMOCYSTINURIA-MEGALOBLASTIC ANEMIA, cblG TYPE. Identifiers: Orphanet 2170, Orphanet 622, MedGen C1855128, MONDO:0009609, OMIM 250940.

Allele frequency attached by ClinVar (database versions not stated): gnomAD exomes below 0.00001; TOPMed 0.00001.

Submission:

Labcorp Genetics (formerly Invitae), Labcorp
Classification: Uncertain significance for Methylcobalamin deficiency type cblG. Last evaluated: 2022-06-21. Review status: criteria provided, single submitter. Criteria: Invitae Variant Classification Sherloc (09022015). Collection method: clinical testing. Allele origin: germline.
Comment: This sequence change replaces lysine, which is basic and polar, with arginine, which is basic and polar, at codon 727 of the MTR protein (p.Lys727Arg). This variant is present in population databases (no rsID available, gnomAD 0.003%). This variant has not been reported in the literature in individuals affected with MTR-related conditions. Algorithms developed to predict the effect of missense changes on protein structure and function are either unavailable or do not agree on the potential impact of this missense change (SIFT: "Deleterious"; PolyPhen-2: "Probably Damaging"; Align-GVGD: "Class C0"). In summary, the available evidence is currently insufficient to determine the role of this variant in disease. Therefore, it has been classified as a Variant of Uncertain Significance.

NM_000254.3(MTR):c.2180A>G (p.Lys727Arg)

Gene: MTR (5-methyltetrahydrofolate-homocysteine methyltransferase; plus strand). Cytogenetic location: 1q43.
Variant type: single nucleotide variant.
Coding change: c.2180A>G on transcript NM_000254.3 (MANE Select); coding-DNA position 2180, A replaced by G.
Protein change: p.Lys727Arg; replaces lysine 727 with arginine.
Molecular consequence: missense variant. On other transcripts: intron variant (1).
Genome position (GRCh38, 1-based): chr1:236,861,261, A>G. VCF-style: chr1-236861261-A-G. GRCh37 (hg19) VCF-style: chr1-237024561-A-G.
Other names: c.959A>G, p.Lys320Arg (NM_001291940.2); c.2180A>G, p.Lys727Arg (NM_001410942.1); c.2044-975A>G (NM_001291939.1); short protein forms K320R, K727R.
Identifiers: ClinVar variation 2170757 (VCV002170757.1), dbSNP rs1374925058, ClinGen allele CA345377111.